The following is an entry in ClinVar:

NM_015909.4(NBAS):c.1524C>A (p.Arg508=)

Gene: NBAS (NBAS subunit of NRZ tethering complex; minus strand). Cytogenetic location: 2p24.3.
Variant type: single nucleotide variant.
Coding change: c.1524C>A on transcript NM_015909.4 (MANE Select); coding-DNA position 1524, C replaced by A.
Protein change: p.Arg508=; no amino-acid change (arginine 508 retained).
Molecular consequence: synonymous variant. On other transcripts: non-coding transcript variant (1).
Genome position (GRCh38, 1-based): chr2:15,474,142, G>T on the plus strand (C>A on the coding strand, the complement: NBAS is on the minus strand). VCF-style: chr2-15474142-G-T. GRCh37 (hg19) VCF-style: chr2-15614266-G-T.
Identifiers: ClinVar variation 2720709 (VCV002720709.4), dbSNP rs1340296783, ClinGen allele CA425090545.

ClinVar aggregate classification (germline): Likely benign. Review status: criteria provided, multiple submitters, no conflicts (2 of 4 stars). 2 submissions from 2 submitters: Likely benign (2). Last evaluated 2026-07-01.

Allele frequency attached by ClinVar (database versions not stated): gnomAD exomes 0.00001.
gnomAD v4.1: 5 of 1,614,126 alleles (0.00031%); highest among the groups gnomAD compares: South Asian, 0.0055%; no homozygotes.

Submissions (2):

CeGaT Center for Human Genetics Tuebingen
Classification: Likely benign. Last evaluated: 2026-07-01. Review status: criteria provided, single submitter. Criteria: CeGaT Center For Human Genetics Tuebingen Variant Classification Criteria Version 2. Collection method: clinical testing. Allele origin: germline. Affected: yes. Observed: 1 variant allele.
Comment: NBAS: BP4, BP7

Labcorp Genetics (formerly Invitae), Labcorp
Classification: Likely benign. Last evaluated: 2023-06-21. Review status: criteria provided, single submitter. Criteria: Invitae Variant Classification Sherloc (09022015). Collection method: clinical testing. Allele origin: germline.